The following is an entry in ClinVar:

NC_000003.11:g.(?_128629574)_(128629666_?)del

Gene: ACAD9 (acyl-CoA dehydrogenase family member 9; plus strand). Cytogenetic location: 3q21.3.
Variant type: Deletion.
Identifiers: ClinVar variation 3247009 (VCV003247009.1).

ClinVar aggregate classification (germline): Pathogenic (1 of 4 stars; one submission).

Submission:

Labcorp Genetics (formerly Invitae), Labcorp
Classification: Pathogenic. Last evaluated: 2022-10-15. Review status: criteria provided, single submitter. Criteria: Invitae Variant Classification Sherloc (09022015). Collection method: clinical testing. Allele origin: unknown.
Comment: This variant disrupts a region of the ACAD9 protein in which other variant(s) (p.Pro616Ser) have been determined to be pathogenic (PMID: 25326637, 30831263). This suggests that this is a clinically significant region of the protein, and that variants that disrupt it are likely to be disease-causing. This variant has not been reported in the literature in individuals affected with ACAD9-related conditions. This variant is a gross deletion of the genomic region encompassing exon(s) 17 of the ACAD9 gene. While this deletion is not anticipated to lead to nonsense mediated decay, it is expected to disrupt the C-terminus of the protein. For these reasons, this variant has been classified as Pathogenic.

Literature cited by the submitters: PubMed 25326637; PubMed 30831263.